The following is an entry in ClinVar:

NM_001320.7(CSNK2B):c.73-1G>A

Gene: CSNK2B (casein kinase 2 beta; plus strand). Cytogenetic location: 6p21.33.
Variant type: single nucleotide variant.
Coding change: c.73-1G>A on transcript NM_001320.7 (MANE Select); the canonical splice acceptor site of the intron before coding-DNA position 73, G replaced by A.
Molecular consequence: splice acceptor variant.
Genome position (GRCh38, 1-based): chr6:31,667,867, G>A. VCF-style: chr6-31667867-G-A. GRCh37 (hg19) VCF-style: chr6-31635644-G-A.
Other names: c.73-1G>A (NM_001282385.2).
Identifiers: ClinVar variation 1328939 (VCV001328939.5), dbSNP rs2151185341, ClinGen allele CA363471648.
Genomic context (GRCh38, chr6:31,667,867, plus strand): 5'-TGCCCAGGTCAAAGATGAGGATTTTGATATGGGTTCCCTCTTGGCTTCCATGTCCTGACA[G>A]GTGGATGAAGACTACATCCAGGACAAATTTAATCTTACTGGACTCAATGAGCAGGTCCCT-3'

ClinVar aggregate classification (germline): Pathogenic/Likely pathogenic. Review status: criteria provided, multiple submitters, no conflicts (2 of 4 stars). 2 submissions from 2 submitters: Pathogenic (1); Likely pathogenic (1). Last evaluated 2024-12-04.

Submissions (2):

GeneDx
Classification: Pathogenic. Last evaluated: 2024-12-04. Review status: criteria provided, single submitter. Criteria: GeneDx Variant Classification Process June 2021. Collection method: clinical testing. Allele origin: germline. Affected: yes.
Comment: Canonical splice site variant predicted to result in a null allele in a gene for which loss of function is a known mechanism of disease; Not observed at significant frequency in large population cohorts (gnomAD); This variant is associated with the following publications: (PMID: 35020984)

Stanford Center for Inherited Cardiovascular Disease, Stanford University
Classification: Likely pathogenic. Last evaluated: 2021-07-01. Review status: criteria provided, single submitter. Criteria: ACMG Guidelines, 2015. Collection method: provider interpretation. Allele origin: germline.